The following is an entry in ClinVar:

NM_194248.3(OTOF):c.3734-2A>C

Gene: OTOF (otoferlin; minus strand). Cytogenetic location: 2p23.3.
Variant type: single nucleotide variant.
Coding change: c.3734-2A>C on transcript NM_194248.3 (MANE Select); the canonical splice acceptor site of the intron before coding-DNA position 3734, A replaced by C.
Molecular consequence: splice acceptor variant. On other transcripts: intron variant (2).
Genome position (GRCh38, 1-based): chr2:26,472,651, T>G on the plus strand (A>C on the coding strand, the complement: OTOF is on the minus strand). VCF-style: chr2-26472651-T-G. GRCh37 (hg19) VCF-style: chr2-26695519-T-G.
Other names: c.3734-2A>C (NM_001287489.2); c.1493-62A>C (NM_194323.3, NM_004802.4); c.1664-2A>C (NM_194322.3).
Identifiers: ClinVar variation 2843817 (VCV002843817.3), dbSNP rs748827423, ClinGen allele CA346102846.

ClinVar aggregate classification (germline): Likely pathogenic (1 of 4 stars; one submission).

gnomAD v4.1: 8 of 1,612,784 alleles (0.0005%); highest among the groups gnomAD compares: Non-Finnish European, 0.00068%; no homozygotes.

Submission:

Labcorp Genetics (formerly Invitae), Labcorp
Classification: Likely pathogenic. Last evaluated: 2023-03-08. Review status: criteria provided, single submitter. Criteria: Invitae Variant Classification Sherloc (09022015). Collection method: clinical testing. Allele origin: germline.
Comment: In summary, the currently available evidence indicates that the variant is pathogenic, but additional data are needed to prove that conclusively. Therefore, this variant has been classified as Likely Pathogenic. Algorithms developed to predict the effect of sequence changes on RNA splicing suggest that this variant may disrupt the consensus splice site. This variant has not been reported in the literature in individuals affected with OTOF-related conditions. This variant is not present in population databases (gnomAD no frequency). This sequence change affects an acceptor splice site in intron 29 of the OTOF gene. It is expected to disrupt RNA splicing. Variants that disrupt the donor or acceptor splice site typically lead to a loss of protein function (PMID: 16199547), and loss-of-function variants in OTOF are known to be pathogenic (PMID: 18381613, 19250381, 22575033).

Literature cited by the submitters: PubMed 16199547; PubMed 18381613; PubMed 19250381; PubMed 22575033.